The following is an entry in ClinVar:

NM_001361.5(DHODH):c.457C>A (p.Leu153Ile)

Gene: DHODH (dihydroorotate dehydrogenase (quinone); plus strand). Cytogenetic location: 16q22.2.
Variant type: single nucleotide variant.
Coding change: c.457C>A on transcript NM_001361.5 (MANE Select); coding-DNA position 457, C replaced by A.
Protein change: p.Leu153Ile; replaces leucine 153 with isoleucine.
Molecular consequence: missense variant.
Genome position (GRCh38, 1-based): chr16:72,017,046, C>A. VCF-style: chr16-72017046-C-A. GRCh37 (hg19) VCF-style: chr16-72050945-C-A.
Other names: short protein forms L153I.
Identifiers: ClinVar variation 320421 (VCV000320421.17), dbSNP rs61741731, ClinGen allele CA8158644.

ClinVar aggregate classification (germline): Benign/Likely benign. Review status: criteria provided, multiple submitters, no conflicts (2 of 4 stars). 4 submissions from 4 submitters: Benign (2); Likely benign (1). 1 of the submissions does not count toward it. Last evaluated 2025-10-21.

Conditions:
DHODH-related disorder. Also called: DHODH-related condition.
Miller syndrome (POADS). Also called: GENEE-WIEDEMANN SYNDROME; Genee-Wiedemann acrofacial dysostosis. Identifiers: Orphanet 246, MedGen C0265257, MONDO:0009903, OMIM 263750.

Allele frequency attached by ClinVar (database versions not stated): gnomAD exomes 0.00105; ExAC 0.00127; ESP Exome Variant Server 0.00370; gnomAD 0.00387 and 0.00410; TOPMed 0.00443; 1000 Genomes Project 0.00539.

Submissions (4):

Labcorp Genetics (formerly Invitae), Labcorp
Classification: Benign. Last evaluated: 2025-10-21. Review status: criteria provided, single submitter. Criteria: Invitae Variant Classification Sherloc (09022015). Collection method: clinical testing. Allele origin: germline.

Blueprint Genetics
Classification: Likely benign. Last evaluated: 2024-11-14. Review status: criteria provided, single submitter. Criteria: ACMG Guidelines, 2015. Collection method: clinical testing. Allele origin: germline.

Illumina Laboratory Services, Illumina
Classification: Benign for Miller syndrome. Last evaluated: 2018-01-13. Review status: criteria provided, single submitter. Criteria: ICSL Variant Classification Criteria 13 December 2019. Collection method: clinical testing. Allele origin: germline.
Comment: This variant was observed in the ICSL laboratory as part of a predisposition screen in an ostensibly healthy population. It had not been previously curated by ICSL or reported in the Human Gene Mutation Database (HGMD: prior to June 1st, 2018), and was therefore a candidate for classification through an automated scoring system. Utilizing variant allele frequency, disease prevalence and penetrance estimates, and inheritance mode, an automated score was calculated to assess if this variant is too frequent to cause the disease. Based on the score and internal cut-off values, a variant classified as benign is not then subjected to further curation. The score for this variant resulted in a classification of benign for this disease.

PreventionGenetics, part of Exact Sciences
Classification: Benign for DHODH-related condition. Last evaluated: 2019-07-15. Review status: no assertion criteria provided. Collection method: clinical testing. Allele origin: germline. Not counted in ClinVar's aggregate classification.
Comment: This variant is classified as benign based on ACMG/AMP sequence variant interpretation guidelines (Richards et al. 2015 PMID: 25741868, with internal and published modifications).